The following is an entry in ClinVar:

NM_019594.4(LRRC8A):c.605G>T (p.Ser202Ile)

Gene: LRRC8A (leucine rich repeat containing 8 VRAC subunit A; plus strand). Cytogenetic location: 9q34.11.
Variant type: single nucleotide variant.
Coding change: c.605G>T on transcript NM_019594.4 (MANE Select); coding-DNA position 605, G replaced by T.
Protein change: p.Ser202Ile; replaces serine 202 with isoleucine.
Molecular consequence: missense variant.
Genome position (GRCh38, 1-based): chr9:128,907,769, G>T. VCF-style: chr9-128907769-G-T. GRCh37 (hg19) VCF-style: chr9-131670048-G-T.
Other names: c.605G>T, p.Ser202Ile (NM_001127244.2, NM_001127245.2); short protein forms S202I.
Identifiers: ClinVar variation 2725520 (VCV002725520.3), dbSNP rs775807817, ClinGen allele CA375077054.

ClinVar aggregate classification (germline): Uncertain significance (1 of 4 stars; one submission).

gnomAD v4.1: 1 of 1,613,968 alleles (0.000062%); highest among the groups gnomAD compares: East Asian, 0.0022%; no homozygotes.

Submission:

Labcorp Genetics (formerly Invitae), Labcorp
Classification: Uncertain significance. Last evaluated: 2023-06-23. Review status: criteria provided, single submitter. Criteria: Invitae Variant Classification Sherloc (09022015). Collection method: clinical testing. Allele origin: germline.
Comment: In summary, the available evidence is currently insufficient to determine the role of this variant in disease. Therefore, it has been classified as a Variant of Uncertain Significance. An algorithm developed to predict the effect of missense changes on protein structure and function (PolyPhen-2) suggests that this variant is likely to be disruptive. This variant has not been reported in the literature in individuals affected with LRRC8A-related conditions. This variant is not present in population databases (gnomAD no frequency). This sequence change replaces serine, which is neutral and polar, with isoleucine, which is neutral and non-polar, at codon 202 of the LRRC8A protein (p.Ser202Ile).